The following is an entry in ClinVar:

NM_153240.5(NPHP3):c.1525-2A>G

Genes: NPHP3 (nephrocystin 3; minus strand), NPHP3-ACAD11 (NPHP3-ACAD11 readthrough (NMD candidate); minus strand). Cytogenetic location: 3q22.1.
Variant type: single nucleotide variant.
Coding change: c.1525-2A>G on transcript NM_153240.5 (MANE Select); the canonical splice acceptor site of the intron before coding-DNA position 1525, A replaced by G.
Molecular consequence: splice acceptor variant.
Genome position (GRCh38, 1-based): chr3:132,701,535, T>C on the plus strand (A>G on the coding strand, the complement: NPHP3 is on the minus strand). VCF-style: chr3-132701535-T-C. GRCh37 (hg19) VCF-style: chr3-132420379-T-C.
Identifiers: ClinVar variation 2919893 (VCV002919893.3), dbSNP rs2530438512, ClinGen allele CA354583648.

ClinVar aggregate classification (germline): Likely pathogenic (1 of 4 stars; one submission).

Conditions:
Nephronophthisis. Also called: Juvenile Nephronophthisis. Identifiers: Orphanet 655, MedGen C0687120, MONDO:0019005, HP:0000090.

Allele frequency attached by ClinVar (database versions not stated): gnomAD exomes below 0.00001.
gnomAD v4.1: 3 of 1,597,510 alleles (0.00019%); highest among the groups gnomAD compares: Non-Finnish European, 0.00026%; no homozygotes.

Submission:

Labcorp Genetics (formerly Invitae), Labcorp
Classification: Likely pathogenic for Nephronophthisis. Last evaluated: 2023-02-09. Review status: criteria provided, single submitter. Criteria: Invitae Variant Classification Sherloc (09022015). Collection method: clinical testing. Allele origin: germline.
Comment: In summary, the currently available evidence indicates that the variant is pathogenic, but additional data are needed to prove that conclusively. Therefore, this variant has been classified as Likely Pathogenic. Algorithms developed to predict the effect of sequence changes on RNA splicing suggest that this variant may disrupt the consensus splice site. This variant has not been reported in the literature in individuals affected with NPHP3-related conditions. This variant is not present in population databases (gnomAD no frequency). This sequence change affects an acceptor splice site in intron 9 of the NPHP3 gene. It is expected to disrupt RNA splicing. Variants that disrupt the donor or acceptor splice site typically lead to a loss of protein function (PMID: 16199547), and loss-of-function variants in NPHP3 are known to be pathogenic (PMID: 18371931, 23559409).

Literature cited by the submitters: PubMed 16199547; PubMed 18371931; PubMed 23559409.